The following is an entry in ClinVar:

ClinVar aggregate classification (germline): Uncertain significance (1 of 4 stars; one submission).

Conditions:
Cystic fibrosis (CF). Also called: MUCOVISCIDOSIS. Identifiers: Orphanet 586, MedGen C0010674, MONDO:0009061, OMIM 219700. Disease mechanism: loss of function.

Allele frequency attached by ClinVar (database versions not stated): ESP Exome Variant Server 0.00008.
gnomAD v4.1: 5 of 1,612,962 alleles (0.00031%); highest among the groups gnomAD compares: Non-Finnish European, 0.00034%; no homozygotes.

Submission:

Labcorp Genetics (formerly Invitae), Labcorp
Classification: Uncertain significance for Cystic fibrosis. Last evaluated: 2025-07-21. Review status: criteria provided, single submitter. Criteria: Invitae Variant Classification Sherloc (09022015). Collection method: clinical testing. Allele origin: germline.
Comment: This sequence change replaces alanine, which is neutral and non-polar, with glycine, which is neutral and non-polar, at codon 300 of the CFTR protein (p.Ala300Gly). This variant is present in population databases (rs142134579, gnomAD 0.0009%). This variant has not been reported in the literature in individuals affected with CFTR-related conditions. ClinVar contains an entry for this variant (Variation ID: 2161437). Invitae Evidence Modeling of protein sequence and biophysical properties (such as structural, functional, and spatial information, amino acid conservation, physicochemical variation, residue mobility, and thermodynamic stability) indicates that this missense variant is not expected to disrupt CFTR protein function with a negative predictive value of 80%. In summary, the available evidence is currently insufficient to determine the role of this variant in disease. Therefore, it has been classified as a Variant of Uncertain Significance.

NM_000492.4(CFTR):c.899C>G (p.Ala300Gly)

Gene: CFTR (CF transmembrane conductance regulator; plus strand). Cytogenetic location: 7q31.2.
Variant type: single nucleotide variant.
Coding change: c.899C>G on transcript NM_000492.4 (MANE Select); coding-DNA position 899, C replaced by G.
Protein change: p.Ala300Gly; replaces alanine 300 with glycine.
Molecular consequence: missense variant.
Genome position (GRCh38, 1-based): chr7:117,540,129, C>G. VCF-style: chr7-117540129-C-G. GRCh37 (hg19) VCF-style: chr7-117180183-C-G.
Other names: short protein forms A300G.
Identifiers: ClinVar variation 2161437 (VCV002161437.3), dbSNP rs142134579, ClinGen allele CA164953433.